The following is an entry in ClinVar:

ClinVar aggregate classification (germline): Benign/Likely benign. Review status: criteria provided, multiple submitters, no conflicts (2 of 4 stars). 3 submissions from 3 submitters: Benign (1); Likely benign (2). Last evaluated 2024-06-17.

Conditions:
Hereditary cancer-predisposing syndrome. Also called: Neoplastic Syndromes, Hereditary; Hereditary Cancer Syndrome; Tumor predisposition; Hereditary neoplastic syndrome. Identifiers: Orphanet 140162, MedGen C0027672, MeSH D009386, MONDO:0015356.
Familial cancer of breast. Also called: Hereditary breast cancer; BREAST CANCER, FAMILIAL; hereditary breast carcinoma. Identifiers: Orphanet 227535, MedGen C0346153, MONDO:0016419, OMIM 114480. Disease mechanism: loss of function.
Ataxia-telangiectasia syndrome (AT). Also called: LOUIS-BAR SYNDROME; Cerebello-oculocutaneous telangiectasia; Immunodeficiency with ataxia telangiectasia; Ataxia-telangiectasia, complementation group D; AT, COMPLEMENTATION GROUP C; Ataxia-telangiectasia, complementation group E. Identifiers: Orphanet 100, MedGen C0004135, MONDO:0008840, OMIM 208900.

Allele frequency attached by ClinVar (database versions not stated): gnomAD exomes 0.00001; gnomAD below 0.00001 and 0.00001; ExAC 0.00001.
gnomAD v4.1: 10 of 1,613,282 alleles (0.00062%); highest among the groups gnomAD compares: South Asian, 0.011%; no homozygotes.

Submissions (3):

Myriad Genetics, Inc.
Classification: Benign for Familial cancer of breast. Last evaluated: 2024-06-17. Review status: criteria provided, single submitter. Criteria: Myriad Autosomal Dominant, Autosomal Recessive and X-Linked Classification Criteria (2023). Collection method: clinical testing. Allele origin: unknown.
Comment: This variant is considered benign. This variant is a silent/synonymous amino acid change and it is not expected to impact splicing.

Labcorp Genetics (formerly Invitae), Labcorp
Classification: Likely benign for Ataxia-telangiectasia syndrome. Last evaluated: 2024-04-17. Review status: criteria provided, single submitter. Criteria: Invitae Variant Classification Sherloc (09022015). Collection method: clinical testing. Allele origin: germline.

Ambry Genetics
Classification: Likely benign for Hereditary cancer-predisposing syndrome. Last evaluated: 2016-04-25. Review status: criteria provided, single submitter. Criteria: Ambry Variant Classification Scheme 2023. Collection method: clinical testing. Allele origin: germline.

NM_000051.4(ATM):c.7836G>A (p.Arg2612=)

Genes: ATM (ATM serine/threonine kinase; plus strand), C11orf65 (chromosome 11 open reading frame 65; minus strand). Cytogenetic location: 11q22.3.
Variant type: single nucleotide variant.
Coding change: c.7836G>A on transcript NM_000051.4 (MANE Select); coding-DNA position 7836, G replaced by A.
Protein change: p.Arg2612=; no amino-acid change (arginine 2612 retained).
Molecular consequence: synonymous variant. On other transcripts: intron variant (2).
Genome position (GRCh38, 1-based): chr11:108,332,809, G>A. VCF-style: chr11-108332809-G-A. GRCh37 (hg19) VCF-style: chr11-108203536-G-A.
Other names: c.7836G>A, p.Arg2612= (NM_001351834.2); c.641-23738C>T (NM_001330368.2); c.*38+2411C>T (NM_001351110.2).
Identifiers: ClinVar variation 453706 (VCV000453706.15), dbSNP rs761324887, ClinGen allele CA6266200.
Genomic context (GRCh38, chr11:108,332,809, plus strand): 5'-TTTTTATTAATAGGATCGAACAGAGGCTGCAAATAGAATAATATGTACTATCAGAAGTAG[G>A]AGACCTCAGATGGTCAGAAGTGTTGAGGCACTTTGTGATGCTTATATTATATTAGCAAAC-3'
Protein context (NP_000042.3, residues 2602-2622): ANRIICTIRS[Arg2612=]RPQMVRSVEA